The following is an entry in ClinVar:

NM_001145358.2(SIN3A):c.1366dup (p.Ser456fs)

Gene: SIN3A (SIN3 transcription regulator family member A; minus strand). Cytogenetic location: 15q24.2.
Variant type: Duplication.
Coding change: c.1366dup on transcript NM_001145358.2 (MANE Select); coding-DNA position 1366, one base duplicated (A; older notation c.1366dupA).
Protein change: p.Ser456fs; shifts the reading frame from serine 456.
Molecular consequence: frameshift variant.
Genome position (GRCh38, 1-based): chr15:75,407,096, T duplicated on the plus strand (A on the coding strand, the reverse complement: SIN3A is on the minus strand). VCF-style (leftmost placement, unchanged base first): chr15-75407095-C-CT. GRCh37 (hg19) VCF-style: chr15-75699436-C-CT.
Other names: c.1366dup, p.Ser456fs (NM_001145357.2, NM_015477.3); short protein forms S456fs.
Identifiers: ClinVar variation 817201 (VCV000817201.1), dbSNP rs1595904430, ClinGen allele CA915946077.

ClinVar aggregate classification (germline): Likely pathogenic (1 of 4 stars; one submission).

Submission:

GeneDx
Classification: Likely pathogenic. Last evaluated: 2018-08-16. Review status: criteria provided, single submitter. Criteria: GeneDx Variant Classification (06012015). Collection method: clinical testing. Allele origin: germline. Affected: yes.
Comment: The c.1366dupA variant in the SIN3A gene has not been reported previously as a pathogenic variant nor as a benign variant, to our knowledge. The c.1366dupA variant causes a frameshift starting with codon Serine 456, changes this amino acid to a Lysine residue, and creates a premature Stop codon at position 13 of the new reading frame, denoted p.Ser456LysfsX13. This variant is predicted to cause loss of normal protein function either through protein truncation or nonsense-mediated mRNA decay. The c.1366dupAX variant is not observed in large population cohorts (Lek et al., 2016). We interpret c.1366dupA as a likely pathogenic variant.